The following is an entry in ClinVar:

NM_003482.4(KMT2D):c.9296G>A (p.Arg3099His)

Gene: KMT2D (lysine methyltransferase 2D; minus strand). Cytogenetic location: 12q13.12.
Variant type: single nucleotide variant.
Coding change: c.9296G>A on transcript NM_003482.4 (MANE Select); coding-DNA position 9296, G replaced by A.
Protein change: p.Arg3099His; replaces arginine 3099 with histidine.
Molecular consequence: missense variant.
Genome position (GRCh38, 1-based): chr12:49,038,060, C>T on the plus strand (G>A on the coding strand, the complement: KMT2D is on the minus strand). VCF-style: chr12-49038060-C-T. GRCh37 (hg19) VCF-style: chr12-49431843-C-T.
Other names: short protein forms R3099H.
Identifiers: ClinVar variation 1288911 (VCV001288911.33), dbSNP rs778257510, ClinGen allele CA6546720.

ClinVar aggregate classification (germline): Benign/Likely benign. Review status: criteria provided, multiple submitters, no conflicts (2 of 4 stars). 5 submissions from 5 submitters: Benign (1); Likely benign (3). 1 of the submissions does not count toward it. Last evaluated 2025-08-05.

Conditions:
KMT2D-related disorder. Also called: KMT2D-Related Disorders.
Kabuki syndrome. Also called: NIIKAWA-KUROKI SYNDROME; Kabuki make-up syndrome. Identifiers: Orphanet 2322, MedGen C0796004, MONDO:0016512.

Allele frequency attached by ClinVar (database versions not stated): gnomAD 0.00004 and 0.00011; TOPMed 0.00005; ExAC 0.00048.
gnomAD v4.1: 299 of 1,612,446 alleles (0.019%); highest among the groups gnomAD compares: South Asian, 0.26%; 1 homozygote.

Submissions (5):

Labcorp Genetics (formerly Invitae), Labcorp
Classification: Likely benign for Kabuki syndrome. Last evaluated: 2025-08-05. Review status: criteria provided, single submitter. Criteria: Invitae Variant Classification Sherloc (09022015). Collection method: clinical testing. Allele origin: germline.

Blueprint Genetics
Classification: Likely benign. Last evaluated: 2024-09-09. Review status: criteria provided, single submitter. Criteria: ACMG Guidelines, 2015. Collection method: clinical testing. Allele origin: germline.

CeGaT Center for Human Genetics Tuebingen
Classification: Likely benign. Last evaluated: 2024-01-01. Review status: criteria provided, single submitter. Criteria: CeGaT Center For Human Genetics Tuebingen Variant Classification Criteria Version 2. Collection method: clinical testing. Allele origin: germline. Affected: yes. Observed: 1 variant allele.
Comment: KMT2D: BS1

GeneDx
Classification: Benign. Last evaluated: 2020-09-01. Review status: criteria provided, single submitter. Criteria: GeneDx Variant Classification Process June 2021. Collection method: clinical testing. Allele origin: germline. Affected: yes.

PreventionGenetics, part of Exact Sciences
Classification: Likely benign for KMT2D-related condition. Last evaluated: 2021-12-10. Review status: no assertion criteria provided. Collection method: clinical testing. Allele origin: germline. Not counted in ClinVar's aggregate classification.
Comment: This variant is classified as likely benign based on ACMG/AMP sequence variant interpretation guidelines (Richards et al. 2015 PMID: 25741868, with internal and published modifications).